The following is an entry in ClinVar:

ClinVar aggregate classification (germline): Uncertain significance. Review status: criteria provided, multiple submitters, no conflicts (2 of 4 stars). 2 submissions from 2 submitters: Uncertain significance (2). Last evaluated 2024-12-24.

Conditions:
Severe combined immunodeficiency due to DNA-PKcs deficiency. Also called: IMMUNODEFICIENCY 26 WITH NEUROLOGIC ABNORMALITIES; Immunodeficiency 26 with or without neurologic abnormalities. Identifiers: Orphanet 317425, MedGen C4014833, MONDO:0014423, OMIM 615966.

gnomAD v4.1: 6 of 1,613,660 alleles (0.00037%); highest among the groups gnomAD compares: Middle Eastern, 0.099%; 1 homozygote.

Submissions (2):

Labcorp Genetics (formerly Invitae), Labcorp
Classification: Uncertain significance for Severe combined immunodeficiency due to DNA-PKcs deficiency. Last evaluated: 2024-12-24. Review status: criteria provided, single submitter. Criteria: Invitae Variant Classification Sherloc (09022015). Collection method: clinical testing. Allele origin: germline.
Comment: This sequence change replaces alanine, which is neutral and non-polar, with serine, which is neutral and polar, at codon 3905 of the PRKDC protein (p.Ala3905Ser). This variant is not present in population databases (gnomAD no frequency). This variant has not been reported in the literature in individuals affected with PRKDC-related conditions. ClinVar contains an entry for this variant (Variation ID: 424238). Invitae Evidence Modeling of protein sequence and biophysical properties (such as structural, functional, and spatial information, amino acid conservation, physicochemical variation, residue mobility, and thermodynamic stability) indicates that this missense variant is not expected to disrupt PRKDC protein function with a negative predictive value of 80%. In summary, the available evidence is currently insufficient to determine the role of this variant in disease. Therefore, it has been classified as a Variant of Uncertain Significance.

GeneDx
Classification: Uncertain significance. Last evaluated: 2017-11-14. Review status: criteria provided, single submitter. Criteria: GeneDx Variant Classification (06012015). Collection method: clinical testing. Allele origin: germline. Affected: yes.
Comment: The A3905S variant has not been published as a pathogenic variant, nor has it been reported as a benign variant to our knowledge. The variant is not observed in large population cohorts (Lek et al., 2016). A3905S is a non-conservative amino acid substitution, which is likely to impact secondary protein structure as these residues differ in polarity, charge, size and/or other properties. In-silico analyses, including protein predictors and evolutionary conservation, support that this variant does not alter protein structure/function. In summary, based on the currently available information, it is unclear whether this variant is a pathogenic variant or a rare benign variant.

NM_006904.7(PRKDC):c.11713G>T (p.Ala3905Ser)

Gene: PRKDC (protein kinase, DNA-activated, catalytic subunit; minus strand). Cytogenetic location: 8q11.21.
Variant type: single nucleotide variant.
Coding change: c.11713G>T on transcript NM_006904.7 (MANE Select); coding-DNA position 11713, G replaced by T.
Protein change: p.Ala3905Ser; replaces alanine 3905 with serine.
Molecular consequence: missense variant.
Genome position (GRCh38, 1-based): chr8:47,778,599, C>A on the plus strand (G>T on the coding strand, the complement: PRKDC is on the minus strand). VCF-style: chr8-47778599-C-A. GRCh37 (hg19) VCF-style: chr8-48691160-C-A.
Other names: c.11620G>T, p.Ala3874Ser (NM_001081640.2); short protein forms A3905S, A3874S.
Identifiers: ClinVar variation 424238 (VCV000424238.7), dbSNP rs762000221, ClinGen allele CA16618646.